The following is an entry in ClinVar:

ClinVar aggregate classification (germline): Uncertain significance. Review status: criteria provided, multiple submitters, no conflicts (2 of 4 stars). 2 submissions from 2 submitters: Uncertain significance (2). Last evaluated 2025-01-18.

Conditions:
Inborn genetic diseases. Identifiers: MedGen C0950123, MeSH D030342.
Charcot-Marie-Tooth disease recessive intermediate C. Also called: CHARCOT-MARIE-TOOTH NEUROPATHY, RECESSIVE INTERMEDIATE C. Identifiers: Orphanet 369867, MedGen C3809309, MONDO:0014154, OMIM 615376.
Neuronopathy, distal hereditary motor, autosomal recessive 4. Also called: Autosomal recessive lower motor neuron disease with childhood onset; NEUROPATHY, DISTAL HEREDITARY MOTOR, AUTOSOMAL RECESSIVE 4. Identifiers: Orphanet 206580, MedGen C1970211, MONDO:0012608, OMIM 611067.

Allele frequency attached by ClinVar (database versions not stated): gnomAD 0.00001; TOPMed 0.00001.
gnomAD v4.1: 9 of 1,610,572 alleles (0.00056%); highest among the groups gnomAD compares: Non-Finnish European, 0.00076%; no homozygotes.

Submissions (2):

Ambry Genetics
Classification: Uncertain significance for Inborn genetic diseases. Last evaluated: 2025-01-18. Review status: criteria provided, single submitter. Criteria: Ambry Variant Classification Scheme 2023. Collection method: clinical testing. Allele origin: germline.

Labcorp Genetics (formerly Invitae), Labcorp
Classification: Uncertain significance for Neuronopathy, distal hereditary motor, autosomal recessive 4; Charcot-Marie-Tooth disease recessive intermediate C. Last evaluated: 2021-08-26. Review status: criteria provided, single submitter. Criteria: Invitae Variant Classification Sherloc (09022015). Collection method: clinical testing. Allele origin: germline.
Comment: This sequence change replaces glycine with serine at codon 424 of the PLEKHG5 protein (p.Gly424Ser). The glycine residue is highly conserved and there is a small physicochemical difference between glycine and serine. This variant is not present in population databases (ExAC no frequency). This variant has not been reported in the literature in individuals affected with PLEKHG5-related conditions. Algorithms developed to predict the effect of missense changes on protein structure and function are either unavailable or do not agree on the potential impact of this missense change (SIFT: "Deleterious"; PolyPhen-2: "Probably Damaging"; Align-GVGD: "Class C0"). Algorithms developed to predict the effect of sequence changes on RNA splicing suggest that this variant may create or strengthen a splice site. In summary, the available evidence is currently insufficient to determine the role of this variant in disease. Therefore, it has been classified as a Variant of Uncertain Significance.

NM_020631.6(PLEKHG5):c.1270G>A (p.Gly424Ser)

Gene: PLEKHG5 (pleckstrin homology and RhoGEF domain containing G5; minus strand). Cytogenetic location: 1p36.31.
Variant type: single nucleotide variant.
Coding change: c.1270G>A on transcript NM_020631.6 (MANE Select); coding-DNA position 1270, G replaced by A.
Protein change: p.Gly424Ser; replaces glycine 424 with serine.
Molecular consequence: missense variant.
Genome position (GRCh38, 1-based): chr1:6,471,499, C>T on the plus strand (G>A on the coding strand, the complement: PLEKHG5 is on the minus strand). VCF-style: chr1-6471499-C-T. GRCh37 (hg19) VCF-style: chr1-6531559-C-T.
Other names: c.1381G>A, p.Gly461Ser (NM_001042663.3, NM_001265592.2); c.1270G>A, p.Gly424Ser (NM_001042664.2, NM_001042665.2, NM_001265594.3 and 1 more transcripts); c.1477G>A, p.Gly493Ser (NM_001265593.2); short protein forms G424S, G493S, G461S.
Identifiers: ClinVar variation 536772 (VCV000536772.7), dbSNP rs1366436495, ClinGen allele CA338128857.